The following is an entry in ClinVar:

ClinVar aggregate classification (germline): Conflicting classifications of pathogenicity. Review status: criteria provided, conflicting classifications (1 of 4 stars). 7 submissions from 5 submitters: Uncertain significance (6); Likely benign (1). Last evaluated 2025-01-06.

Conditions:
Insulin-resistant diabetes mellitus AND acanthosis nigricans. Also called: type A insulin resistance; DIABETES MELLITUS, INSULIN-RESISTANT, WITH ACANTHOSIS NIGRICANS, TYPE A; Insulin-resistance syndrome type A; INSULIN RECEPTOR, DEFECT IN, WITH INSULIN-RESISTANT DIABETES MELLITUS AND ACANTHOSIS NIGRICANS; IRAN, TYPE A. Identifiers: Orphanet 2297, MedGen C0342278, MONDO:0012520, OMIM 610549.
Leprechaunism syndrome. Also called: Donohue syndrome; LEPRECHAUNISM. Identifiers: Orphanet 508, MedGen C0265344, MONDO:0009517, OMIM 246200.
Rabson-Mendenhall syndrome. Also called: Pineal hyperplasia AND diabetes mellitus syndrome; Pineal Hyperplasia, Insulin-Resistant Diabetes Mellitus, and Somatic Abnormalities; MENDENHALL SYNDROME. Identifiers: Orphanet 769, MedGen C0271695, MONDO:0009874, OMIM 262190.

Allele frequency attached by ClinVar (database versions not stated): gnomAD exomes 0.00003 and 0.00006; ExAC 0.00005; gnomAD 0.00021 and 0.00020; TOPMed 0.00015; ESP Exome Variant Server 0.00023.
gnomAD v4.1: 77 of 1,614,054 alleles (0.0048%); highest among the groups gnomAD compares: African/African-American, 0.035%; no homozygotes.

Submissions (7):

Labcorp Genetics (formerly Invitae), Labcorp
Classification: Likely benign. Last evaluated: 2025-01-06. Review status: criteria provided, single submitter. Criteria: Invitae Variant Classification Sherloc (09022015). Collection method: clinical testing. Allele origin: germline.

GeneDx
Classification: Uncertain significance. Last evaluated: 2024-08-20. Review status: criteria provided, single submitter. Criteria: GeneDx Variant Classification Process June 2021. Collection method: clinical testing. Allele origin: germline. Affected: yes.
Comment: In silico analysis indicates that this missense variant does not alter protein structure/function; Has not been previously published as pathogenic or benign to our knowledge; This variant is associated with the following publications: (PMID: 27840822)

Blueprint Genetics
Classification: Uncertain significance. Last evaluated: 2024-02-20. Review status: criteria provided, single submitter. Criteria: ACMG Guidelines, 2015. Collection method: clinical testing. Allele origin: germline.

MGZ Medical Genetics Center
Classification: Uncertain significance for Insulin-resistant diabetes mellitus AND acanthosis nigricans. Last evaluated: 2022-03-09. Review status: criteria provided, single submitter. Criteria: ACMG Guidelines, 2015. Collection method: clinical testing. Allele origin: germline. Affected: yes. Observed: 1 variant allele.
Comment: ACMG criteria applied: PM1, PM2_SUP, BP4

Illumina Laboratory Services, Illumina
Classification: Uncertain significance for Rabson-Mendenhall syndrome. Last evaluated: 2018-01-12. Review status: criteria provided, single submitter. Criteria: ICSL Variant Classification Criteria 13 December 2019. Collection method: clinical testing. Allele origin: germline.

Illumina Laboratory Services, Illumina
Classification: Uncertain significance for Leprechaunism syndrome. Last evaluated: 2018-01-12. Review status: criteria provided, single submitter. Criteria: ICSL Variant Classification Criteria 13 December 2019. Collection method: clinical testing. Allele origin: germline.

Illumina Laboratory Services, Illumina
Classification: Uncertain significance for Insulin-resistant diabetes mellitus AND acanthosis nigricans. Last evaluated: 2018-01-12. Review status: criteria provided, single submitter. Criteria: ICSL Variant Classification Criteria 13 December 2019. Collection method: clinical testing. Allele origin: germline.

NM_000208.4(INSR):c.2698G>A (p.Val900Ile)

Gene: INSR (insulin receptor; minus strand). Cytogenetic location: 19p13.2.
Variant type: single nucleotide variant.
Coding change: c.2698G>A on transcript NM_000208.4 (MANE Select); coding-DNA position 2698, G replaced by A.
Protein change: p.Val900Ile; replaces valine 900 with isoleucine.
Molecular consequence: missense variant.
Genome position (GRCh38, 1-based): chr19:7,132,302, C>T on the plus strand (G>A on the coding strand, the complement: INSR is on the minus strand). VCF-style: chr19-7132302-C-T. GRCh37 (hg19) VCF-style: chr19-7132313-C-T.
Other names: c.2662G>A, p.Val888Ile (NM_001079817.3); short protein forms V900I, V888I.
Identifiers: ClinVar variation 893925 (VCV000893925.12), dbSNP rs144029037, ClinGen allele CA9135472.
Genomic context (GRCh38, chr19:7,132,302, plus strand): 5'-TCCCCGGTGACAGCCCACGCAGCCTGCAGCCCCGTTCCAGAGCGAAGTGCTTGCGGGAGA[C>T]GCAGAGATGCAGCTCCTGGGAGGAAGAGAGGAGGAGAAGGAGGGTGGCTGAGCTTTGCAC-3'
Protein context (NP_000199.2, residues 890-910): RYGDEELHLC[Val900Ile]SRKHFALERG